The following is an entry in ClinVar:

NM_003803.4(MYOM1):c.2017G>A (p.Val673Met)

Gene: MYOM1 (myomesin 1; minus strand). Cytogenetic location: 18p11.31.
Variant type: single nucleotide variant.
Coding change: c.2017G>A on transcript NM_003803.4 (MANE Select); coding-DNA position 2017, G replaced by A.
Protein change: p.Val673Met; replaces valine 673 with methionine.
Molecular consequence: missense variant.
Genome position (GRCh38, 1-based): chr18:3,141,947, C>T on the plus strand (G>A on the coding strand, the complement: MYOM1 is on the minus strand). VCF-style: chr18-3141947-C-T. GRCh37 (hg19) VCF-style: chr18-3141945-C-T.
Other names: c.2017G>A, p.Val673Met (NM_019856.2); short protein forms V673M.
Identifiers: ClinVar variation 1054725 (VCV001054725.11), dbSNP rs763030971, ClinGen allele CA8874779.

ClinVar aggregate classification (germline): Uncertain significance. Review status: criteria provided, multiple submitters, no conflicts (2 of 4 stars). 2 submissions from 2 submitters: Uncertain significance (2). Last evaluated 2025-12-22.

Conditions:
Hypertrophic cardiomyopathy. Also called: HYPERTROPHIC MYOCARDIOPATHY. Identifiers: Orphanet 217569, MedGen C0007194, MeSH D002312, MONDO:0005045, HP:0001639.

Allele frequency attached by ClinVar (database versions not stated): gnomAD 0.00001; gnomAD exomes 0.00001; ExAC 0.00002; TOPMed 0.00002.
gnomAD v4.1: 15 of 1,613,670 alleles (0.00093%); highest among the groups gnomAD compares: African/African-American, 0.0013%; no homozygotes.

Submissions (2):

Labcorp Genetics (formerly Invitae), Labcorp
Classification: Uncertain significance for Hypertrophic cardiomyopathy. Last evaluated: 2025-12-22. Review status: criteria provided, single submitter. Criteria: Invitae Variant Classification Sherloc (09022015). Collection method: clinical testing. Allele origin: germline.
Comment: This sequence change replaces valine, which is neutral and non-polar, with methionine, which is neutral and non-polar, at codon 673 of the MYOM1 protein (p.Val673Met). This variant is present in population databases (rs763030971, gnomAD 0.007%). This variant has not been reported in the literature in individuals affected with MYOM1-related conditions. ClinVar contains an entry for this variant (Variation ID: 1054725). Invitae Evidence Modeling of protein sequence and biophysical properties (such as structural, functional, and spatial information, amino acid conservation, physicochemical variation, residue mobility, and thermodynamic stability) has been performed for this missense variant. However, the output from this modeling did not meet the statistical confidence thresholds required to predict the impact of this variant on MYOM1 protein function. In summary, the available evidence is currently insufficient to determine the role of this variant in disease. Therefore, it has been classified as a Variant of Uncertain Significance.

Ambry Genetics
Classification: Uncertain significance. Last evaluated: 2025-03-23. Review status: criteria provided, single submitter. Criteria: Ambry Variant Classification Scheme 2023. Collection method: clinical testing. Allele origin: germline.
Comment: The p.V673M variant (also known as c.2017G>A), located in coding exon 13 of the MYOM1 gene, results from a G to A substitution at nucleotide position 2017. The valine at codon 673 is replaced by methionine, an amino acid with highly similar properties. This amino acid position is conserved. In addition, this alteration is predicted to be deleterious by in silico analysis. Since supporting evidence is limited at this time, the clinical significance of this alteration remains unclear.